The following is an entry in ClinVar:

NM_000376.3(VDR):c.844G>A (p.Asp282Asn)

Gene: VDR (vitamin D receptor; minus strand). Cytogenetic location: 12q13.11.
Variant type: single nucleotide variant.
Coding change: c.844G>A on transcript NM_000376.3 (MANE Select); coding-DNA position 844, G replaced by A.
Protein change: p.Asp282Asn; replaces aspartic acid 282 with asparagine.
Molecular consequence: missense variant.
Genome position (GRCh38, 1-based): chr12:47,846,720, C>T on the plus strand (G>A on the coding strand, the complement: VDR is on the minus strand). VCF-style: chr12-47846720-C-T. GRCh37 (hg19) VCF-style: chr12-48240503-C-T.
Other names: c.844G>A, p.Asp282Asn (NM_001017535.2, NM_001364085.2, NM_001374661.1 and 1 more transcripts); c.994G>A, p.Asp332Asn (NM_001017536.2); short protein forms D282N, D332N.
Identifiers: ClinVar variation 3666813 (VCV003666813.2).
Genomic context (GRCh38, chr12:47,846,720, plus strand): 5'-TGGTCACGTCACTGACGCGGTACTTGTAGTCTTGGTTGCCACAGGTCCAGGACATGTCGT[C>T]CATGGTGAAGGACTCATTGGAGCGCAACATGATGACCTCAATGGCACTTGACTTCAGCAG-3'
Protein context (NP_000367.1, residues 272-292): MLRSNESFTM[Asp282Asn]DMSWTCGNQD

ClinVar aggregate classification (germline): Uncertain significance (1 of 4 stars; one submission).

Submission:

Labcorp Genetics (formerly Invitae), Labcorp
Classification: Uncertain significance. Last evaluated: 2025-01-06. Review status: criteria provided, single submitter. Criteria: Invitae Variant Classification Sherloc (09022015). Collection method: clinical testing. Allele origin: germline.
Comment: This sequence change replaces aspartic acid, which is acidic and polar, with asparagine, which is neutral and polar, at codon 282 of the VDR protein (p.Asp282Asn). This variant is not present in population databases (gnomAD no frequency). This variant has not been reported in the literature in individuals affected with VDR-related conditions. Invitae Evidence Modeling of protein sequence and biophysical properties (such as structural, functional, and spatial information, amino acid conservation, physicochemical variation, residue mobility, and thermodynamic stability) indicates that this missense variant is not expected to disrupt VDR protein function with a negative predictive value of 80%. In summary, the available evidence is currently insufficient to determine the role of this variant in disease. Therefore, it has been classified as a Variant of Uncertain Significance.